The following is an entry in ClinVar:

ClinVar aggregate classification (germline): Uncertain significance. Review status: criteria provided, multiple submitters, no conflicts (2 of 4 stars). 7 submissions from 7 submitters: Uncertain significance (6). 1 of the submissions does not count toward it. Last evaluated 2025-10-23.

Conditions:
Cardiovascular phenotype. Identifiers: MedGen CN230736.
Glycogen storage disease, type II (IOPD). Also called: POMPE DISEASE, INFANTILE-ONSET; GLYCOGEN STORAGE DISEASE II, INFANTILE-ONSET; ACID ALPHA-GLUCOSIDASE DEFICIENCY, INFANTILE-ONSET; GAA DEFICIENCY, INFANTILE-ONSET; ACID MALTASE DEFICIENCY, INFANTILE-ONSET; Glucosidase acid-1,4-alpha deficiency. Identifiers: Orphanet 365, MedGen C0017921, MONDO:0009290, OMIM 232300.

Allele frequency attached by ClinVar (database versions not stated): ExAC below 0.00001; gnomAD 0.00002.
gnomAD v4.1: 36 of 1,590,526 alleles (0.0023%); highest among the groups gnomAD compares: Non-Finnish European, 0.0028%; no homozygotes.

Submissions (7):

Ambry Genetics
Classification: Uncertain significance for Cardiovascular phenotype. Last evaluated: 2025-10-23. Review status: criteria provided, single submitter. Criteria: Ambry Variant Classification Scheme 2023. Collection method: clinical testing. Allele origin: germline.

Mayo Clinic Laboratories, Mayo Clinic
Classification: Uncertain significance. Last evaluated: 2024-02-06. Review status: criteria provided, single submitter. Criteria: ACMG Guidelines, 2015. Collection method: clinical testing. Allele origin: germline. Observed: 1 variant allele.
Comment: PP3, PM2

Labcorp Genetics (formerly Invitae), Labcorp
Classification: Uncertain significance for Glycogen storage disease, type II. Last evaluated: 2022-07-19. Review status: criteria provided, single submitter. Criteria: Invitae Variant Classification Sherloc (09022015). Collection method: clinical testing. Allele origin: germline.
Comment: This sequence change replaces threonine, which is neutral and polar, with serine, which is neutral and polar, at codon 722 of the GAA protein (p.Thr722Ser). This variant is not present in population databases (gnomAD no frequency). This variant has not been reported in the literature in individuals affected with GAA-related conditions. ClinVar contains an entry for this variant (Variation ID: 598200). Advanced modeling of protein sequence and biophysical properties (such as structural, functional, and spatial information, amino acid conservation, physicochemical variation, residue mobility, and thermodynamic stability) performed at Invitae indicates that this missense variant is expected to disrupt GAA protein function. In summary, the available evidence is currently insufficient to determine the role of this variant in disease. Therefore, it has been classified as a Variant of Uncertain Significance.

Genome-Nilou Lab
Classification: Uncertain significance for Glycogen storage disease, type II. Last evaluated: 2021-09-05. Review status: criteria provided, single submitter. Criteria: ACMG Guidelines, 2015. Collection method: clinical testing. Allele origin: germline. Affected: no.

Fulgent Genetics
Classification: Uncertain significance for Glycogen storage disease, type II. Last evaluated: 2021-07-22. Review status: criteria provided, single submitter. Criteria: ACMG Guidelines, 2015. Collection method: clinical testing. Allele origin: unknown.

Eurofins Ntd Llc (ga)
Classification: Uncertain significance. Last evaluated: 2018-07-31. Review status: criteria provided, single submitter. Criteria: EGL ClinVar v180209 classification definitions. Collection method: clinical testing. Allele origin: germline. Observed: 1 variant allele, 1 heterozygote.

Natera, Inc.
Classification: Uncertain significance for Glycogen storage disease type II. Last evaluated: 2020-12-29. Review status: no assertion criteria provided. Collection method: clinical testing. Allele origin: germline. Not counted in ClinVar's aggregate classification.

NM_000152.5(GAA):c.2164A>T (p.Thr722Ser)

Gene: GAA (alpha glucosidase; plus strand). Cytogenetic location: 17q25.3.
Variant type: single nucleotide variant.
Coding change: c.2164A>T on transcript NM_000152.5 (MANE Select); coding-DNA position 2164, A replaced by T.
Protein change: p.Thr722Ser; replaces threonine 722 with serine.
Molecular consequence: missense variant.
Genome position (GRCh38, 1-based): chr17:80,113,341, A>T. VCF-style: chr17-80113341-A-T. GRCh37 (hg19) VCF-style: chr17-78087140-A-T.
Other names: p.Thr722Ser; c.2164A>T (LRG_673t1); c.2164A>T, p.Thr722Ser (NM_001079803.3, NM_001079804.3); short protein forms T722S.
Identifiers: ClinVar variation 598200 (VCV000598200.23), dbSNP rs774307734, ClinGen allele CA8815633.